The following is an entry in ClinVar:

NM_006904.7(PRKDC):c.9225G>A (p.Lys3075=)

Gene: PRKDC (protein kinase, DNA-activated, catalytic subunit; minus strand). Cytogenetic location: 8q11.21.
Variant type: single nucleotide variant.
Coding change: c.9225G>A on transcript NM_006904.7 (MANE Select); coding-DNA position 9225, G replaced by A.
Protein change: p.Lys3075=; no amino-acid change (lysine 3075 retained).
Molecular consequence: synonymous variant.
Genome position (GRCh38, 1-based): chr8:47,820,830, C>T on the plus strand (G>A on the coding strand, the complement: PRKDC is on the minus strand). VCF-style: chr8-47820830-C-T. GRCh37 (hg19) VCF-style: chr8-48733391-C-T.
Other names: c.9225G>A, p.Lys3075= (NM_001081640.2).
Identifiers: ClinVar variation 1766248 (VCV001766248.3), dbSNP rs2551865357, ClinGen allele CA460601094.

ClinVar aggregate classification (germline): Likely benign. Review status: criteria provided, multiple submitters, no conflicts (2 of 4 stars). 2 submissions from 2 submitters: Likely benign (2). Last evaluated 2022-03-19.

Conditions:
PRKDC-related disorder. Also called: PRKDC-related condition.

Submissions (2):

Ambry Genetics
Classification: Likely benign. Last evaluated: 2022-03-19. Review status: criteria provided, single submitter. Criteria: Ambry Variant Classification Scheme 2023. Collection method: clinical testing. Allele origin: germline.

PreventionGenetics, part of Exact Sciences
Classification: Likely benign for PRKDC-related condition. Last evaluated: 2021-08-20. Review status: criteria provided, single submitter. Criteria: ACMG Guidelines, 2015. Collection method: clinical testing. Allele origin: germline.
Comment: This variant is classified as likely benign based on ACMG/AMP sequence variant interpretation guidelines (Richards et al. 2015 PMID: 25741868, with internal and published modifications).